The following is an entry in ClinVar:

NM_000939.4(POMC):c.439G>A (p.Gly147Ser)

Gene: POMC (proopiomelanocortin; minus strand). Cytogenetic location: 2p23.3.
Variant type: single nucleotide variant.
Coding change: c.439G>A on transcript NM_000939.4 (MANE Select); coding-DNA position 439, G replaced by A.
Protein change: p.Gly147Ser; replaces glycine 147 with serine.
Molecular consequence: missense variant.
Genome position (GRCh38, 1-based): chr2:25,161,446, C>T on the plus strand (G>A on the coding strand, the complement: POMC is on the minus strand). VCF-style: chr2-25161446-C-T. GRCh37 (hg19) VCF-style: chr2-25384315-C-T.
Other names: c.439G>A, p.Gly147Ser (NM_001035256.3, NM_001319204.2, NM_001319205.2); short protein forms G147S.
Identifiers: ClinVar variation 4992938 (VCV004992938.1).

ClinVar aggregate classification (germline): Uncertain significance (1 of 4 stars; one submission).

Conditions:
POMC-related disorder. Also called: POMC-related condition; POMC-related disorders.

gnomAD v4.1: 2 of 1,610,466 alleles (0.00012%); highest among the groups gnomAD compares: African/African-American, 0.0013%; no homozygotes.

Submission:

PreventionGenetics, part of Exact Sciences
Classification: Uncertain significance for POMC-related condition. Last evaluated: 2026-03-03. Review status: criteria provided, single submitter. Criteria: ACMG Guidelines, 2015. Collection method: clinical testing. Allele origin: germline.
Comment: The POMC c.439G>A variant is predicted to result in the amino acid substitution p.Gly147Ser. To our knowledge, this variant has not been reported in the literature or in a large population database (gnomAD), indicating this variant is rare. At this time, the clinical significance of this variant is uncertain due to the absence of conclusive functional and genetic evidence.